The following is an entry in ClinVar:

ClinVar aggregate classification (germline): Uncertain significance. Review status: criteria provided, single submitter (1 of 4 stars). 2 submissions from 2 submitters: Uncertain significance (1). 1 of the submissions does not count toward it. Last evaluated 2023-04-05.

Conditions:
Inborn genetic diseases. Identifiers: MedGen C0950123, MeSH D030342.
PKD1L1-related disorder. Also called: PKD1L1-related condition.

Allele frequency attached by ClinVar (database versions not stated): gnomAD exomes 0.00001; 1000 Genomes Project 30x 0.00016; 1000 Genomes Project 0.00020.
gnomAD v4.1: 12 of 1,614,146 alleles (0.00074%); highest among the groups gnomAD compares: East Asian, 0.016%; no homozygotes.

Submissions (2):

Ambry Genetics
Classification: Uncertain significance for Inborn genetic diseases. Last evaluated: 2023-04-05. Review status: criteria provided, single submitter. Criteria: Ambry Variant Classification Scheme 2023. Collection method: clinical testing. Allele origin: germline.

PreventionGenetics, part of Exact Sciences
Classification: Uncertain significance for PKD1L1-related condition. Last evaluated: 2024-05-31. Review status: no assertion criteria provided. Collection method: clinical testing. Allele origin: germline. Not counted in ClinVar's aggregate classification.
Comment: The PKD1L1 c.8018C>T variant is predicted to result in the amino acid substitution p.Ser2673Phe. To our knowledge, this variant has not been reported in the literature. This variant is reported in 0.030% of alleles in individuals of East Asian descent in gnomAD. At this time, the clinical significance of this variant is uncertain due to the absence of conclusive functional and genetic evidence.

NM_138295.5(PKD1L1):c.8018C>T (p.Ser2673Phe)

Genes: PKD1L1 (polycystin 1 like 1, transient receptor potential channel interacting; minus strand), PKD1L1-AS1 (PKD1L1 antisense RNA 1; plus strand). Cytogenetic location: 7p12.3.
Variant type: single nucleotide variant.
Coding change: c.8018C>T on transcript NM_138295.5 (MANE Select); coding-DNA position 8018, C replaced by T.
Protein change: p.Ser2673Phe; replaces serine 2673 with phenylalanine.
Molecular consequence: missense variant.
Genome position (GRCh38, 1-based): chr7:47,800,824, G>A on the plus strand (C>T on the coding strand, the complement: PKD1L1 is on the minus strand). VCF-style: chr7-47800824-G-A. GRCh37 (hg19) VCF-style: chr7-47840422-G-A.
Other names: short protein forms S2673F.
Identifiers: ClinVar variation 2533262 (VCV002533262.3), dbSNP rs552515838, ClinGen allele CA4251838.